The following is an entry in ClinVar:

NM_001903.5(CTNNA1):c.1387C>T (p.Gln463Ter)

Gene: CTNNA1 (catenin alpha 1; plus strand). Cytogenetic location: 5q31.2.
Variant type: single nucleotide variant.
Coding change: c.1387C>T on transcript NM_001903.5 (MANE Select); coding-DNA position 1387, C replaced by T.
Protein change: p.Gln463Ter; replaces glutamine 463 with a stop codon.
Molecular consequence: nonsense. On other transcripts: 5 prime UTR variant (4), intron variant (3).
Genome position (GRCh38, 1-based): chr5:138,904,439, C>T. VCF-style: chr5-138904439-C-T. GRCh37 (hg19) VCF-style: chr5-138240128-C-T.
Other names: c.1387C>T, p.Gln463Ter (NM_001290307.3, NM_001323982.2, NM_001323983.1 and 2 more transcripts); c.1078C>T, p.Gln360Ter (NM_001290309.3); c.1018C>T, p.Gln340Ter (NM_001290310.3); c.277C>T, p.Gln93Ter (NM_001290312.1, NM_001323987.1, NM_001323988.1 and 17 more transcripts); c.-121C>T (NM_001324006.1, NM_001324007.1, NM_001324008.1 and 1 more transcripts); c.34C>T, p.Gln12Ter (NM_001324012.1, NM_001324013.1); c.1297-13303C>T (NM_001323986.2); c.187-13303C>T (NM_001324011.1); and 1 more; short protein forms Q360*, Q463*, Q93*, Q12*, Q340*.
Identifiers: ClinVar variation 1429789 (VCV001429789.6), dbSNP rs2150140810, ClinGen allele CA361136052.

ClinVar aggregate classification (germline): Pathogenic (1 of 4 stars; one submission).

Submission:

Labcorp Genetics (formerly Invitae), Labcorp
Classification: Pathogenic. Last evaluated: 2023-07-29. Review status: criteria provided, single submitter. Criteria: Invitae Variant Classification Sherloc (09022015). Collection method: clinical testing. Allele origin: germline.
Comment: This variant has not been reported in the literature in individuals affected with CTNNA1-related conditions. For these reasons, this variant has been classified as Pathogenic. ClinVar contains an entry for this variant (Variation ID: 1429789). This variant is not present in population databases (gnomAD no frequency). This sequence change creates a premature translational stop signal (p.Gln463*) in the CTNNA1 gene. It is expected to result in an absent or disrupted protein product. Loss-of-function variants in CTNNA1 are known to be pathogenic (PMID: 32051609, 34425242).

Literature cited by the submitters: PubMed 32051609; PubMed 34425242.